The following is an entry in ClinVar:

NM_000316.3(PTH1R):c.655C>G (p.Arg219Gly)

Gene: PTH1R (parathyroid hormone 1 receptor; plus strand). Cytogenetic location: 3p21.31.
Variant type: single nucleotide variant.
Coding change: c.655C>G on transcript NM_000316.3 (MANE Select); coding-DNA position 655, C replaced by G.
Protein change: p.Arg219Gly; replaces arginine 219 with glycine.
Molecular consequence: missense variant.
Genome position (GRCh38, 1-based): chr3:46,898,678, C>G. VCF-style: chr3-46898678-C-G. GRCh37 (hg19) VCF-style: chr3-46940168-C-G.
Other names: c.655C>G, p.Arg219Gly (NM_001184744.1); short protein forms R219G.
Identifiers: ClinVar variation 4535285 (VCV004535285.6).

ClinVar aggregate classification (germline): Uncertain significance (1 of 4 stars; one submission).

Submission:

CeGaT Center for Human Genetics Tuebingen
Classification: Uncertain significance. Last evaluated: 2026-06-01. Review status: criteria provided, single submitter. Criteria: CeGaT Center For Human Genetics Tuebingen Variant Classification Criteria Version 2. Collection method: clinical testing. Allele origin: germline. Affected: yes. Observed: 3 variant alleles.
Comment: PTH1R: PM2, PP4:Moderate